The following is an entry in ClinVar:

NM_000548.5(TSC2):c.2255G>C (p.Gly752Ala)

Gene: TSC2 (TSC complex subunit 2; plus strand). Cytogenetic location: 16p13.3.
Variant type: single nucleotide variant.
Coding change: c.2255G>C on transcript NM_000548.5 (MANE Select); coding-DNA position 2255, G replaced by C.
Protein change: p.Gly752Ala; replaces glycine 752 with alanine.
Molecular consequence: missense variant. On other transcripts: non-coding transcript variant (5).
Genome position (GRCh38, 1-based): chr16:2,072,883, G>C. VCF-style: chr16-2072883-G-C. GRCh37 (hg19) VCF-style: chr16-2122884-G-C.
Other names: c.1655G>C, p.Gly552Ala (NM_001406683.1, NM_001406684.1, NM_001406685.1 and 6 more transcripts); c.911G>C, p.Gly304Ala (NM_001406689.1, NM_001406690.1, NM_001406691.1 and 6 more transcripts); c.2255G>C, p.Gly752Ala (NM_001077183.3, NM_001114382.3, NM_001363528.2 and 6 more transcripts); c.2144G>C, p.Gly715Ala (NM_001318827.2, NM_001406670.1, NM_001406678.1); c.2108G>C, p.Gly703Ala (NM_001318829.2, NM_001406675.1, NM_001406676.1 and 1 more transcripts); c.2288G>C, p.Gly763Ala (NM_001318832.2); c.2345G>C, p.Gly782Ala (NM_001406667.1, NM_001406668.1); c.2243G>C, p.Gly748Ala (NM_001406671.1, NM_001406673.1); and 3 more; short protein forms G598A, G733A, G763A, G552A, G748A, G218A, G304A, G703A.
Identifiers: ClinVar variation 5031401 (VCV005031401.1).

ClinVar aggregate classification (germline): Uncertain significance (1 of 4 stars; one submission).

Conditions:
Hereditary cancer-predisposing syndrome. Also called: Neoplastic Syndromes, Hereditary; Tumor predisposition; Hereditary neoplastic syndrome; Hereditary Cancer Syndrome. Identifiers: Orphanet 140162, MedGen C0027672, MeSH D009386, MONDO:0015356.

Submission:

Ambry Genetics
Classification: Uncertain significance for Hereditary cancer-predisposing syndrome. Last evaluated: 2026-08-31. Review status: criteria provided, single submitter. Criteria: Ambry Variant Classification Scheme 2023. Collection method: clinical testing. Allele origin: germline.
Comment: The p.G752A variant (also known as c.2255G>C), located in coding exon 20 of the TSC2 gene, results from a G to C substitution at nucleotide position 2255. The glycine at codon 752 is replaced by alanine, an amino acid with similar properties. This amino acid position is conserved. In addition, the in silico prediction for this alteration is inconclusive. Based on the available evidence, the clinical significance of this variant remains unclear.